The following is an entry in ClinVar:

ClinVar aggregate classification (germline): Likely pathogenic (1 of 4 stars; one submission).

Conditions:
X-linked Alport syndrome (ATS1). Also called: COL4A5-Related Nephropathy; NEPHROPATHY AND DEAFNESS, X-LINKED. Identifiers: Orphanet 63, Orphanet 88917, MedGen C4746986, MONDO:0010520, OMIM 301050.

Submission:

MVZ Medizinische Genetik Mainz
Classification: Likely pathogenic for X-linked Alport syndrome. Last evaluated: 2022-08-29. Review status: criteria provided, single submitter. Criteria: UK Practice Guidelines For Variant Classification V4 01 2020. Collection method: clinical testing. Allele origin: germline. Inheritance: Unknown mechanism. Affected: yes. Observed: 1 variant allele.
Comment: ACMG Criteria: PM1_STR, PM2_SUP, PP3 (ACMG Version 4)

NM_033380.3(COL4A5):c.1208G>C (p.Gly403Ala)

Gene: COL4A5 (collagen type IV alpha 5 chain; plus strand). Cytogenetic location: Xq22.3.
Variant type: single nucleotide variant.
Coding change: c.1208G>C on transcript NM_033380.3 (MANE Select); coding-DNA position 1208, G replaced by C.
Protein change: p.Gly403Ala; replaces glycine 403 with alanine.
Molecular consequence: missense variant.
Genome position (GRCh38, 1-based): chrX:108,591,100, G>C. VCF-style: chrX-108591100-G-C. GRCh37 (hg19) VCF-style: chrX-107834330-G-C.
Other names: c.1208G>C, p.Gly403Ala (NM_000495.5); short protein forms G403A.
Identifiers: ClinVar variation 3236033 (VCV003236033.1), dbSNP rs104886099, ClinGen allele CA413932305.
Genomic context (GRCh38, chrX:108,591,100, plus strand): 5'-CACTTTTTTGAATCTTAGGGGCTGCAGTTATGGGTCCTCCTGGCCCTCCTGGATTTCCTG[G>C]AGAAAGGGGTCAGAAAGGTGATGAAGGACCACCTGGAATTTCCATTCCTGGACCTCCTGG-3'
Protein context (NP_203699.1, residues 393-413): MGPPGPPGFP[Gly403Ala]ERGQKGDEGP